The following is an entry in ClinVar:

NM_005996.4(TBX3):c.1324_1330delinsGCTG (p.Thr442_Pro444delinsAlaAla)

Gene: TBX3 (T-box transcription factor 3; minus strand). Cytogenetic location: 12q24.21.
Variant type: Indel.
Coding change: c.1324_1330delinsGCTG on transcript NM_005996.4 (MANE Select); coding-DNA positions 1324 to 1330, ACAGCGC replaced by GCTG.
Protein change: p.Thr442_Pro444delinsAlaAla.
Molecular consequence: inframe indel.
Genome position (GRCh38, 1-based): chr12:114,674,545-114,674,551, GCGCTGT replaced by CAGC on the plus strand (ACAGCGC replaced by GCTG on the coding strand, the reverse complement: TBX3 is on the minus strand). VCF-style: chr12-114674545-GCGCTGT-CAGC. GRCh37 (hg19) VCF-style: chr12-115112350-GCGCTGT-CAGC.
Other names: c.1384_1390delinsGCTG, p.Thr462_Pro464delinsAlaAla (NM_016569.4).
Identifiers: ClinVar variation 3349305 (VCV003349305.1).

ClinVar aggregate classification (germline): Uncertain significance (0 of 4 stars; one submission).

Conditions:
TBX3-related disorder. Also called: TBX3-related condition.

Submission:

PreventionGenetics, part of Exact Sciences
Classification: Uncertain significance for TBX3-related condition. Last evaluated: 2024-08-05. Review status: no assertion criteria provided. Collection method: clinical testing. Allele origin: germline.
Comment: The TBX3 c.1384_1390delinsGCTG variant is predicted to result in an in-frame deletion and insertion. To our knowledge, this variant has not been reported in the literature or in a large population database, indicating this variant is rare. At this time, the clinical significance of this variant is uncertain due to the absence of conclusive functional and genetic evidence.